The following is an entry in ClinVar:

NM_145290.4(ADGRA3):c.3580G>A (p.Val1194Ile)

Gene: ADGRA3 (adhesion G protein-coupled receptor A3; minus strand). Cytogenetic location: 4p15.2.
Variant type: single nucleotide variant.
Coding change: c.3580G>A on transcript NM_145290.4 (MANE Select); coding-DNA position 3580, G replaced by A.
Protein change: p.Val1194Ile; replaces valine 1194 with isoleucine.
Molecular consequence: missense variant.
Genome position (GRCh38, 1-based): chr4:22,388,091, C>T on the plus strand (G>A on the coding strand, the complement: ADGRA3 is on the minus strand). VCF-style: chr4-22388091-C-T. GRCh37 (hg19) VCF-style: chr4-22389714-C-T.
Other names: short protein forms V1194I.
Identifiers: ClinVar variation 1461509 (VCV001461509.6), dbSNP rs1713922604, ClinGen allele CA356472131.

ClinVar aggregate classification (germline): Uncertain significance (1 of 4 stars; one submission).

Allele frequency attached by ClinVar (database versions not stated): gnomAD 0.00001.
gnomAD v4.1: 1 of 1,614,042 alleles (0.000062%); highest among the groups gnomAD compares: Non-Finnish European, 0.000085%; no homozygotes.

Submission:

Labcorp Genetics (formerly Invitae), Labcorp
Classification: Uncertain significance. Last evaluated: 2025-03-17. Review status: criteria provided, single submitter. Criteria: Invitae Variant Classification Sherloc (09022015). Collection method: clinical testing. Allele origin: germline.
Comment: This sequence change replaces valine, which is neutral and non-polar, with isoleucine, which is neutral and non-polar, at codon 1194 of the ADGRA3 protein (p.Val1194Ile). This variant is not present in population databases (gnomAD no frequency). This variant has not been reported in the literature in individuals affected with ADGRA3-related conditions. ClinVar contains an entry for this variant (Variation ID: 1461509). An algorithm developed to predict the effect of missense changes on protein structure and function (PolyPhen-2) suggests that this variant is likely to be tolerated. In summary, the available evidence is currently insufficient to determine the role of this variant in disease. Therefore, it has been classified as a Variant of Uncertain Significance.